The following is an entry in ClinVar:

ClinVar aggregate classification (germline): Benign. Review status: criteria provided, single submitter (1 of 4 stars). 5 submissions from 1 submitter: Benign (5). Last evaluated 2018-01-13.

Conditions:
Congenital myasthenic syndrome 16. Identifiers: Orphanet 590, MedGen C3280112, MONDO:0013620, OMIM 614198.
Hypokalemic periodic paralysis, type 2 (HOKPP2). Identifiers: Orphanet 681, MedGen C2750061, MONDO:0013234, OMIM 613345.
Paramyotonia congenita of Von Eulenburg. Also called: Paramyotonia Congenita; PARALYSIS PERIODICA PARAMYOTONICA; Eulenburg disease; Myotonia congenita intermittens; Von Eulenburg paramyotonia congenita. Identifiers: Orphanet 684, MedGen C0221055, MONDO:0008195, OMIM 168300. Disease mechanism: loss of function.
Potassium-aggravated myotonia. Also called: Myotonia congenita, atypical, acetazolamide-responsive; MYOTONIA CONGENITA, ACETAZOLAMIDE-RESPONSIVE; MYOTONIA CONGENITA, ATYPICAL; SODIUM CHANNEL MUSCLE DISEASE. Identifiers: Orphanet 612, Orphanet 99734, Orphanet 99735, Orphanet 99736, MedGen C2931826, MONDO:0018959, OMIM 608390.
Hyperkalemic periodic paralysis. Also called: Familial hyperkalemic periodic paralysis; Gamstorp disease. Identifiers: Orphanet 682, MedGen C0238357, MONDO:0008224, OMIM 170500, HP:0007215.

Allele frequency attached by ClinVar (database versions not stated): TOPMed 0.00929; 1000 Genomes Project 0.01038; 1000 Genomes Project 30x 0.01234.

Submissions (5):

Illumina Laboratory Services, Illumina
Classification: Benign for Paramyotonia congenita of Von Eulenburg. Last evaluated: 2018-01-13. Review status: criteria provided, single submitter. Criteria: ICSL Variant Classification Criteria 13 December 2019. Collection method: clinical testing. Allele origin: germline.
Comment: This variant was observed in the ICSL laboratory as part of a predisposition screen in an ostensibly healthy population. It had not been previously curated by ICSL or reported in the Human Gene Mutation Database (HGMD: prior to June 1st, 2018), and was therefore a candidate for classification through an automated scoring system. Utilizing variant allele frequency, disease prevalence and penetrance estimates, and inheritance mode, an automated score was calculated to assess if this variant is too frequent to cause the disease. Based on the score and internal cut-off values, a variant classified as benign is not then subjected to further curation. The score for this variant resulted in a classification of benign for this disease.

Illumina Laboratory Services, Illumina
Classification: Benign for Hyperkalemic periodic paralysis. Last evaluated: 2018-01-13. Review status: criteria provided, single submitter. Criteria: ICSL Variant Classification Criteria 13 December 2019. Collection method: clinical testing. Allele origin: germline.
Comment: the same text as in the submission from Illumina Laboratory Services, Illumina above.

Illumina Laboratory Services, Illumina
Classification: Benign for Congenital myasthenic syndrome 16. Last evaluated: 2018-01-13. Review status: criteria provided, single submitter. Criteria: ICSL Variant Classification Criteria 13 December 2019. Collection method: clinical testing. Allele origin: germline.
Comment: the same text as in the submission from Illumina Laboratory Services, Illumina above.

Illumina Laboratory Services, Illumina
Classification: Benign for Potassium-aggravated myotonia. Last evaluated: 2018-01-13. Review status: criteria provided, single submitter. Criteria: ICSL Variant Classification Criteria 13 December 2019. Collection method: clinical testing. Allele origin: germline.
Comment: the same text as in the submission from Illumina Laboratory Services, Illumina above.

Illumina Laboratory Services, Illumina
Classification: Benign for Hypokalemic periodic paralysis, type 2. Last evaluated: 2018-01-13. Review status: criteria provided, single submitter. Criteria: ICSL Variant Classification Criteria 13 December 2019. Collection method: clinical testing. Allele origin: germline.
Comment: the same text as in the submission from Illumina Laboratory Services, Illumina above.

NM_000334.4(SCN4A):c.*981G>A

Genes: GH-LCR (growth hormone locus control region; plus strand), SCN4A (sodium voltage-gated channel alpha subunit 4; minus strand). Cytogenetic location: 17q23.3.
Variant type: single nucleotide variant.
Coding change: c.*981G>A on transcript NM_000334.4 (MANE Select); 981 bases downstream of the stop codon, G replaced by A.
Molecular consequence: 3 prime UTR variant.
Genome position (GRCh38, 1-based): chr17:63,939,790, C>T on the plus strand (G>A on the coding strand, the complement: SCN4A is on the minus strand). VCF-style: chr17-63939790-C-T. GRCh37 (hg19) VCF-style: chr17-62017150-C-T.
Identifiers: ClinVar variation 324491 (VCV000324491.5), dbSNP rs144800677, ClinGen allele CA10650650.